The following is an entry in ClinVar:

ClinVar aggregate classification (germline): Uncertain significance (1 of 4 stars; one submission).

Conditions:
Hereditary cancer-predisposing syndrome. Also called: Tumor predisposition; Hereditary Cancer Syndrome; Hereditary neoplastic syndrome; Neoplastic Syndromes, Hereditary. Identifiers: Orphanet 140162, MedGen C0027672, MeSH D009386, MONDO:0015356.

Submission:

Ambry Genetics
Classification: Uncertain significance for Hereditary cancer-predisposing syndrome. Last evaluated: 2024-05-03. Review status: criteria provided, single submitter. Criteria: Ambry Variant Classification Scheme 2023. Collection method: clinical testing. Allele origin: germline.
Comment: The p.P187H variant (also known as c.560C>A), located in coding exon 3 of the FLCN gene, results from a C to A substitution at nucleotide position 560. The proline at codon 187 is replaced by histidine, an amino acid with similar properties. This amino acid position is conserved. In addition, this alteration is predicted to be deleterious by in silico analysis. Based on the available evidence, the clinical significance of this variant remains unclear.

NM_144997.7(FLCN):c.560C>A (p.Pro187His)

Gene: FLCN (folliculin; minus strand). Cytogenetic location: 17p11.2.
Variant type: single nucleotide variant.
Coding change: c.560C>A on transcript NM_144997.7 (MANE Select); coding-DNA position 560, C replaced by A.
Protein change: p.Pro187His; replaces proline 187 with histidine.
Molecular consequence: missense variant.
Genome position (GRCh38, 1-based): chr17:17,223,980, G>T on the plus strand (C>A on the coding strand, the complement: FLCN is on the minus strand). VCF-style: chr17-17223980-G-T. GRCh37 (hg19) VCF-style: chr17-17127294-G-T.
Other names: c.614C>A, p.Pro205His (NM_001353229.2); c.560C>A, p.Pro187His (NM_001353230.2, NM_001353231.2, NM_144606.7); short protein forms P205H, P187H.
Identifiers: ClinVar variation 3279027 (VCV003279027.1).
Genomic context (GRCh38, chr17:17,223,980, plus strand): 5'-ACCTTGAGCGCCTTGCCCTGGAGCTCATCGATGATTCCCCGGACCTTCCCCAGCAGGAAG[G>T]GCCAGGAGTTGATGAGGTAGATCCGGTCCATCATGATGGTGATGATGCTGTACCAGCGCT-3'
Protein context (NP_659434.2, residues 177-197): MDRIYLINSW[Pro187His]FLLGKVRGII